The following is an entry in ClinVar:

ClinVar aggregate classification (germline): Conflicting classifications of pathogenicity. Review status: criteria provided, conflicting classifications (1 of 4 stars). 5 submissions from 5 submitters: Uncertain significance (4); Likely benign (1). Last evaluated 2026-02-03.

Conditions:
Arrhythmogenic right ventricular dysplasia 10. Also called: Arrhythmogenic Right Ventricular Dysplasia/Cardiomyopathy10; ARRHYTHMOGENIC RIGHT VENTRICULAR DYSPLASIA, FAMILIAL, 10; Arrhythmogenic right ventricular dysplasia/cardiomyopathy, type 10. Identifiers: MedGen C1857777, MONDO:0012434, OMIM 610193.
Dilated cardiomyopathy 1BB (CMD1BB). Also called: CARDIOMYOPATHY, DILATED, 1BB, SUSCEPTIBILITY TO. Identifiers: Orphanet 154, MedGen C2752072, MONDO:0013030, OMIM 612877.
Cardiomyopathy (CMYO). Also called: Cardiomyopathies. Identifiers: Orphanet 167848, MedGen C0878544, MONDO:0004994, HP:0001638. Inheritance: Various modes of inheritance.
Arrhythmogenic right ventricular cardiomyopathy (ARVD). Also called: Arrhythmogenic cardiomyopathy; Cardiomyopathy, ARVC; Arrhythmogenic right ventricular dysplasia; Arrhythmogenic Right Ventricular Cardiomyopathy (ARVC). Identifiers: Orphanet 247, MedGen C0349788, MeSH D019571, MONDO:0016587. Disease mechanism: loss of function. Inheritance: Various modes of inheritance.
Cardiovascular phenotype. Identifiers: MedGen CN230736.

Allele frequency attached by ClinVar (database versions not stated): ExAC 0.00001; gnomAD 0.00001 and 0.00002; gnomAD exomes 0.00002 and 0.00003; TOPMed 0.00002.
gnomAD v4.1: 42 of 1,614,050 alleles (0.0026%); highest among the groups gnomAD compares: Non-Finnish European, 0.0033%; no homozygotes.

Submissions (5):

Labcorp Genetics (formerly Invitae), Labcorp
Classification: Uncertain significance for Arrhythmogenic right ventricular dysplasia 10. Last evaluated: 2026-02-03. Review status: criteria provided, single submitter. Criteria: Invitae Variant Classification Sherloc (09022015). Collection method: clinical testing. Allele origin: germline.
Comment: This sequence change replaces threonine, which is neutral and polar, with isoleucine, which is neutral and non-polar, at codon 881 of the DSG2 protein (p.Thr881Ile). This variant is present in population databases (rs760786694, gnomAD 0.004%). This variant has not been reported in the literature in individuals affected with DSG2-related conditions. ClinVar contains an entry for this variant (Variation ID: 925288). Invitae Evidence Modeling of protein sequence and biophysical properties (such as structural, functional, and spatial information, amino acid conservation, physicochemical variation, residue mobility, and thermodynamic stability) indicates that this missense variant is not expected to disrupt DSG2 protein function with a negative predictive value of 95%. In summary, the available evidence is currently insufficient to determine the role of this variant in disease. Therefore, it has been classified as a Variant of Uncertain Significance.

Ambry Genetics
Classification: Likely benign for Cardiovascular phenotype. Last evaluated: 2025-01-17. Review status: criteria provided, single submitter. Criteria: Ambry Variant Classification Scheme 2023. Collection method: clinical testing. Allele origin: germline.

All of Us Research Program, National Institutes of Health
Classification: Uncertain significance for Arrhythmogenic right ventricular cardiomyopathy. Last evaluated: 2024-07-23. Review status: criteria provided, single submitter. Criteria: ACMG Guidelines, 2015. Collection method: clinical testing. Allele origin: germline. Inheritance: Autosomal dominant inheritance. Observed: 10 variant alleles, 10 heterozygotes.
Comment: This missense variant replaces threonine with isoleucine at codon 881 of the DSG2 protein. Computational prediction suggests that this variant may not impact protein structure and function (internally defined REVEL score threshold <= 0.5, PMID: 27666373). To our knowledge, functional studies have not been reported for this variant. This variant has not been reported in individuals affected with cardiovascular disorders in the literature. This variant has been identified in 5/280046 chromosomes in the general population by the Genome Aggregation Database (gnomAD). The available evidence is insufficient to determine the role of this variant in disease conclusively. Therefore, this variant is classified as a Variant of Uncertain Significance.

This study involves interpretation of variants in research participants for the purpose of population health screening. Participant phenotype was not available at the time of variant classification. Additional details can be found in publication PMID: 35346344, PMCID: PMC8962531

Color Diagnostics, LLC DBA Color Health
Classification: Uncertain significance for Cardiomyopathy. Last evaluated: 2024-03-06. Review status: criteria provided, single submitter. Criteria: ACMG Guidelines, 2015. Collection method: clinical testing. Allele origin: germline.
Comment: This missense variant replaces threonine with isoleucine at codon 881 of the DSG2 protein. Computational prediction suggests that this variant may not impact protein structure and function (internally defined REVEL score threshold <= 0.5, PMID: 27666373). To our knowledge, functional studies have not been reported for this variant. This variant has not been reported in individuals affected with cardiovascular disorders in the literature. This variant has been identified in 5/280046 chromosomes in the general population by the Genome Aggregation Database (gnomAD). The available evidence is insufficient to determine the role of this variant in disease conclusively. Therefore, this variant is classified as a Variant of Uncertain Significance.

Fulgent Genetics
Classification: Uncertain significance for Arrhythmogenic right ventricular dysplasia 10; Dilated cardiomyopathy 1BB. Last evaluated: 2021-11-16. Review status: criteria provided, single submitter. Criteria: ACMG Guidelines, 2015. Collection method: clinical testing. Allele origin: unknown.

NM_001943.5(DSG2):c.2642C>T (p.Thr881Ile)

Genes: DSG2 (desmoglein 2; plus strand), DSG2-AS1 (DSG2 antisense RNA 1; minus strand). Cytogenetic location: 18q12.1.
Variant type: single nucleotide variant.
Coding change: c.2642C>T on transcript NM_001943.5 (MANE Select); coding-DNA position 2642, C replaced by T.
Protein change: p.Thr881Ile; replaces threonine 881 with isoleucine.
Molecular consequence: missense variant.
Genome position (GRCh38, 1-based): chr18:31,546,028, C>T. VCF-style: chr18-31546028-C-T. GRCh37 (hg19) VCF-style: chr18-29125991-C-T.
Other names: short protein forms T881I.
Identifiers: ClinVar variation 925288 (VCV000925288.18), dbSNP rs760786694, ClinGen allele CA046691.